The following is an entry in ClinVar:

ClinVar aggregate classification (germline): Pathogenic/Likely pathogenic. Review status: criteria provided, multiple submitters, no conflicts (2 of 4 stars). 6 submissions from 5 submitters: Pathogenic (3); Likely pathogenic (3). Last evaluated 2024-06-05.

Conditions:
Retinitis pigmentosa 39 (RP39). Identifiers: Orphanet 791, MedGen C3151138, MONDO:0013436, OMIM 613809.
Usher syndrome type 2A. Also called: USHER SYNDROME, TYPE IIA; RETINAL DISEASE IN USHER SYNDROME TYPE IIA, MODIFIER OF. Identifiers: Orphanet 231178, Orphanet 886, MedGen C1848634, MONDO:0010169, OMIM 276901.

Allele frequency attached by ClinVar (database versions not stated): ExAC 0.00002; gnomAD exomes 0.00003 and 0.00004; gnomAD 0.00005; 1000 Genomes Project 30x 0.00016; 1000 Genomes Project 0.00020.
gnomAD v4.1: 24 of 1,614,222 alleles (0.0015%); highest among the groups gnomAD compares: Non-Finnish European, 0.00068%; no homozygotes.

Submissions (6):

Fulgent Genetics
Classification: Likely pathogenic for Usher syndrome type 2A; Retinitis pigmentosa 39. Last evaluated: 2024-06-05. Review status: criteria provided, single submitter. Criteria: ACMG Guidelines, 2015. Collection method: clinical testing. Allele origin: germline.

Labcorp Genetics (formerly Invitae), Labcorp
Classification: Pathogenic. Last evaluated: 2024-03-13. Review status: criteria provided, single submitter. Criteria: Invitae Variant Classification Sherloc (09022015). Collection method: clinical testing. Allele origin: germline.
Comment: This sequence change creates a premature translational stop signal (p.Ser4830*) in the USH2A gene. It is expected to result in an absent or disrupted protein product. Loss-of-function variants in USH2A are known to be pathogenic (PMID: 10729113, 10909849, 20507924, 25649381). This variant is present in population databases (rs184351619, gnomAD 0.03%). This premature translational stop signal has been observed in individual(s) with clinical features of Usher syndrome (PMID: 18273898). ClinVar contains an entry for this variant (Variation ID: 1457880). For these reasons, this variant has been classified as Pathogenic.

Laboratory of Medical Genetics, National & Kapodistrian University of Athens
Classification: Pathogenic for Usher syndrome type 2A. Last evaluated: 2024-02-01. Review status: criteria provided, single submitter. Criteria: ACMG Guidelines, 2015. Collection method: curation. Allele origin: germline. Affected: no.

Baylor Genetics
Classification: Pathogenic for Retinitis pigmentosa 39. Last evaluated: 2023-11-09. Review status: criteria provided, single submitter. Criteria: ACMG Guidelines, 2015. Collection method: clinical testing. Allele origin: unknown.

Genome-Nilou Lab
Classification: Likely pathogenic for Retinitis pigmentosa 39. Last evaluated: 2023-11-04. Review status: criteria provided, single submitter. Criteria: ACMG Guidelines, 2015. Collection method: clinical testing. Allele origin: germline. Affected: no.

Genome-Nilou Lab
Classification: Likely pathogenic for Usher syndrome type 2A. Last evaluated: 2023-11-04. Review status: criteria provided, single submitter. Criteria: ACMG Guidelines, 2015. Collection method: clinical testing. Allele origin: germline. Affected: no.

Literature cited by the submitters: PubMed 10729113 (cited by Labcorp Genetics (formerly Invitae), Labcorp); PubMed 10909849 (cited by Labcorp Genetics (formerly Invitae), Labcorp); PubMed 20507924 (cited by Labcorp Genetics (formerly Invitae), Labcorp); PubMed 25649381 (cited by Labcorp Genetics (formerly Invitae), Labcorp); PubMed 18273898 (cited by Labcorp Genetics (formerly Invitae), Labcorp).

NM_206933.4(USH2A):c.14489C>G (p.Ser4830Ter)

Gene: USH2A (usherin; minus strand). Cytogenetic location: 1q41.
Variant type: single nucleotide variant.
Coding change: c.14489C>G on transcript NM_206933.4 (MANE Select); coding-DNA position 14489, C replaced by G.
Protein change: p.Ser4830Ter; replaces serine 4830 with a stop codon.
Molecular consequence: nonsense.
Genome position (GRCh38, 1-based): chr1:215,648,621, G>C on the plus strand (C>G on the coding strand, the complement: USH2A is on the minus strand). VCF-style: chr1-215648621-G-C. GRCh37 (hg19) VCF-style: chr1-215821963-G-C.
Other names: short protein forms S4830*.
Identifiers: ClinVar variation 1457880 (VCV001457880.11), dbSNP rs184351619, ClinGen allele CA1393018.